The following is an entry in ClinVar:

ClinVar aggregate classification (germline): Uncertain significance. Review status: criteria provided, single submitter (1 of 4 stars). 2 submissions from 2 submitters: Uncertain significance (1). 1 of the submissions does not count toward it. Last evaluated 2022-08-23.

Conditions:
FAM20C-related disorder. Also called: FAM20C-related condition.

Allele frequency attached by ClinVar (database versions not stated): gnomAD 0.00002; TOPMed 0.00002; gnomAD exomes 0.00005.
gnomAD v4.1: 79 of 1,535,488 alleles (0.0051%); highest among the groups gnomAD compares: Middle Eastern, 0.017%; 2 homozygotes.

Submissions (2):

Labcorp Genetics (formerly Invitae), Labcorp
Classification: Uncertain significance. Last evaluated: 2022-08-23. Review status: criteria provided, single submitter. Criteria: Invitae Variant Classification Sherloc (09022015). Collection method: clinical testing. Allele origin: germline.
Comment: This sequence change falls in intron 7 of the FAM20C gene. It does not directly change the encoded amino acid sequence of the FAM20C protein. It affects a nucleotide within the consensus splice site. This variant is present in population databases (no rsID available, gnomAD 0.02%). This variant has not been reported in the literature in individuals affected with FAM20C-related conditions. Variants that disrupt the consensus splice site are a relatively common cause of aberrant splicing (PMID: 17576681, 9536098). Algorithms developed to predict the effect of sequence changes on RNA splicing suggest that this variant is not likely to affect RNA splicing. In summary, the available evidence is currently insufficient to determine the role of this variant in disease. Therefore, it has been classified as a Variant of Uncertain Significance.

PreventionGenetics, part of Exact Sciences
Classification: Likely benign for FAM20C-related condition. Last evaluated: 2024-07-18. Review status: no assertion criteria provided. Collection method: clinical testing. Allele origin: germline. Not counted in ClinVar's aggregate classification.
Comment: This variant is classified as likely benign based on ACMG/AMP sequence variant interpretation guidelines (Richards et al. 2015 PMID: 25741868, with internal and published modifications).

Literature cited by the submitters: PubMed 17576681 (cited by Labcorp Genetics (formerly Invitae), Labcorp); PubMed 9536098 (cited by Labcorp Genetics (formerly Invitae), Labcorp).

NM_020223.4(FAM20C):c.1363+5G>A

Gene: FAM20C (FAM20C golgi associated secretory pathway kinase; plus strand). Cytogenetic location: 7p22.3.
Variant type: single nucleotide variant.
Coding change: c.1363+5G>A on transcript NM_020223.4 (MANE Select); 5 bases into the intron after coding-DNA position 1363, G replaced by A.
Molecular consequence: intron variant.
Genome position (GRCh38, 1-based): chr7:256,768, G>A. VCF-style: chr7-256768-G-A. GRCh37 (hg19) VCF-style: chr7-296734-G-A.
Other names: c.1363+5G>A (NM_020223.3).
Identifiers: ClinVar variation 2185143 (VCV002185143.5), dbSNP rs944877644, ClinGen allele CA152283555.